The following is an entry in ClinVar:

ClinVar aggregate classification (germline): Uncertain significance (1 of 4 stars; one submission).

Conditions:
Nephronophthisis. Also called: Juvenile Nephronophthisis. Identifiers: Orphanet 655, MedGen C0687120, MONDO:0019005, HP:0000090.

Submission:

Labcorp Genetics (formerly Invitae), Labcorp
Classification: Uncertain significance for Nephronophthisis. Last evaluated: 2023-10-13. Review status: criteria provided, single submitter. Criteria: Invitae Variant Classification Sherloc (09022015). Collection method: clinical testing. Allele origin: germline.
Comment: This sequence change replaces aspartic acid, which is acidic and polar, with glutamic acid, which is acidic and polar, at codon 194 of the INVS protein (p.Asp194Glu). This variant is not present in population databases (gnomAD no frequency). This variant has not been reported in the literature in individuals affected with INVS-related conditions. ClinVar contains an entry for this variant (Variation ID: 1363588). An algorithm developed to predict the effect of missense changes on protein structure and function (PolyPhen-2) suggests that this variant is likely to be disruptive. In summary, the available evidence is currently insufficient to determine the role of this variant in disease. Therefore, it has been classified as a Variant of Uncertain Significance.

NM_014425.5(INVS):c.582T>A (p.Asp194Glu)

Gene: INVS (inversin; plus strand). Cytogenetic location: 9q31.1.
Variant type: single nucleotide variant.
Coding change: c.582T>A on transcript NM_014425.5 (MANE Select); coding-DNA position 582, T replaced by A.
Protein change: p.Asp194Glu; replaces aspartic acid 194 with glutamic acid.
Molecular consequence: missense variant. On other transcripts: 5 prime UTR variant (1), non-coding transcript variant (1).
Genome position (GRCh38, 1-based): chr9:100,229,794, T>A. VCF-style: chr9-100229794-T-A. GRCh37 (hg19) VCF-style: chr9-102992076-T-A.
Other names: c.294T>A, p.Asp98Glu (NM_001318381.2); c.-408T>A (NM_001318382.2); short protein forms D194E, D98E.
Identifiers: ClinVar variation 1363588 (VCV001363588.8), dbSNP rs2118429045, ClinGen allele CA374360638.